The following is an entry in ClinVar:

ClinVar aggregate classification (germline): Uncertain significance (1 of 4 stars; one submission).

Submission:

Labcorp Genetics (formerly Invitae), Labcorp
Classification: Uncertain significance. Last evaluated: 2022-06-20. Review status: criteria provided, single submitter. Criteria: Invitae Variant Classification Sherloc (09022015). Collection method: clinical testing. Allele origin: germline.
Comment: This sequence change replaces arginine, which is basic and polar, with proline, which is neutral and non-polar, at codon 580 of the MAP3K20 protein (p.Arg580Pro). This variant is not present in population databases (gnomAD no frequency). This variant has not been reported in the literature in individuals affected with MAP3K20-related conditions. Experimental studies and prediction algorithms are not available or were not evaluated, and the functional significance of this variant is currently unknown. In summary, the available evidence is currently insufficient to determine the role of this variant in disease. Therefore, it has been classified as a Variant of Uncertain Significance.

NM_016653.3(MAP3K20):c.1739G>C (p.Arg580Pro)

Genes: MAP3K20 (mitogen-activated protein kinase kinase kinase 20; plus strand), MAP3K20-AS1 (MAP3K20 antisense RNA 1; minus strand). Cytogenetic location: 2q31.1.
Variant type: single nucleotide variant.
Coding change: c.1739G>C on transcript NM_016653.3 (MANE Select); coding-DNA position 1739, G replaced by C.
Protein change: p.Arg580Pro; replaces arginine 580 with proline.
Molecular consequence: missense variant.
Genome position (GRCh38, 1-based): chr2:173,266,086, G>C. VCF-style: chr2-173266086-G-C. GRCh37 (hg19) VCF-style: chr2-174130814-G-C.
Other names: short protein forms R580P.
Identifiers: ClinVar variation 2006559 (VCV002006559.4), dbSNP rs776656628, ClinGen allele CA349317044.